The following is an entry in ClinVar:

NM_001080467.3(MYO5B):c.2644C>T (p.Arg882Trp)

Gene: MYO5B (myosin VB; minus strand). Cytogenetic location: 18q21.1.
Variant type: single nucleotide variant.
Coding change: c.2644C>T on transcript NM_001080467.3 (MANE Select); coding-DNA position 2644, C replaced by T.
Protein change: p.Arg882Trp; replaces arginine 882 with tryptophan.
Molecular consequence: missense variant.
Genome position (GRCh38, 1-based): chr18:49,902,761, G>A on the plus strand (C>T on the coding strand, the complement: MYO5B is on the minus strand). VCF-style: chr18-49902761-G-A. GRCh37 (hg19) VCF-style: chr18-47429131-G-A.
Other names: short protein forms R882W.
Identifiers: ClinVar variation 327040 (VCV000327040.18), dbSNP rs777961930, ClinGen allele CA8960985.
Genomic context (GRCh38, chr18:49,902,761, plus strand): 5'-CCCGCCTGGCCTTGAGCATCCGGAAGGCACACTGGATGACAATGGCTGCATCCCGCAGCC[G>A]CTGGAAGTGCCTGCGTGCCATCCAGCCCCGCACGTGCTTCTGGATGGTGGTGGCCTTGTG-3'
Protein context (NP_001073936.1, residues 872-892): RGWMARRHFQ[Arg882Trp]LRDAAIVIQC

ClinVar aggregate classification (germline): Conflicting classifications of pathogenicity. Review status: criteria provided, conflicting classifications (1 of 4 stars). 3 submissions from 3 submitters: Uncertain significance (1); Likely benign (1). 1 of the submissions does not count toward it. Last evaluated 2026-01-20.

Conditions:
MYO5B-related disorder. Also called: MYO5B-related condition.
Inborn genetic diseases. Identifiers: MedGen C0950123, MeSH D030342.

Allele frequency attached by ClinVar (database versions not stated): gnomAD 0.00007 and 0.00009; gnomAD exomes 0.00008 and 0.00026; 1000 Genomes Project 30x 0.00016; TOPMed 0.00016; ExAC 0.00022.
gnomAD v4.1: 135 of 1,606,236 alleles (0.0084%); highest among the groups gnomAD compares: East Asian, 0.17%; 1 homozygote.

Submissions (3):

Labcorp Genetics (formerly Invitae), Labcorp
Classification: Likely benign. Last evaluated: 2026-01-20. Review status: criteria provided, single submitter. Criteria: Invitae Variant Classification Sherloc (09022015). Collection method: clinical testing. Allele origin: germline.

Ambry Genetics
Classification: Uncertain significance for Inborn genetic diseases. Last evaluated: 2022-01-26. Review status: criteria provided, single submitter. Criteria: Ambry Variant Classification Scheme 2023. Collection method: clinical testing. Allele origin: germline.

PreventionGenetics, part of Exact Sciences
Classification: Likely benign for MYO5B-related condition. Last evaluated: 2021-06-08. Review status: no assertion criteria provided. Collection method: clinical testing. Allele origin: germline. Not counted in ClinVar's aggregate classification.
Comment: This variant is classified as likely benign based on ACMG/AMP sequence variant interpretation guidelines (Richards et al. 2015 PMID: 25741868, with internal and published modifications).